The following is an entry in ClinVar:

ClinVar aggregate classification (germline): Likely benign. Review status: criteria provided, single submitter (1 of 4 stars). 2 submissions from 2 submitters: Likely benign (1). 1 of the submissions does not count toward it. Last evaluated 2026-01-14.

Conditions:
Bardet-Biedl syndrome (BBS). Identifiers: Orphanet 110, MedGen C0752166, MONDO:0015229.
BBS5-related disorder. Also called: BBS5-related condition.

Allele frequency attached by ClinVar (database versions not stated): ExAC 0.00001; gnomAD exomes 0.00001 and 0.00002; gnomAD 0.00002; TOPMed 0.00002.

Submissions (2):

Labcorp Genetics (formerly Invitae), Labcorp
Classification: Likely benign for Bardet-Biedl syndrome. Last evaluated: 2026-01-14. Review status: criteria provided, single submitter. Criteria: Invitae Variant Classification Sherloc (09022015). Collection method: clinical testing. Allele origin: germline.

PreventionGenetics, part of Exact Sciences
Classification: Likely benign for BBS5-related condition. Last evaluated: 2022-04-19. Review status: no assertion criteria provided. Collection method: clinical testing. Allele origin: germline. Not counted in ClinVar's aggregate classification.
Comment: This variant is classified as likely benign based on ACMG/AMP sequence variant interpretation guidelines (Richards et al. 2015 PMID: 25741868, with internal and published modifications).

NM_152384.3(BBS5):c.786A>C (p.Ile262=)

Gene: BBS5 (Bardet-Biedl syndrome 5; plus strand). Cytogenetic location: 2q31.1.
Variant type: single nucleotide variant.
Coding change: c.786A>C on transcript NM_152384.3 (MANE Select); coding-DNA position 786, A replaced by C.
Protein change: p.Ile262=; no amino-acid change (isoleucine 262 retained).
Molecular consequence: synonymous variant.
Genome position (GRCh38, 1-based): chr2:169,499,590, A>C. VCF-style: chr2-169499590-A-C. GRCh37 (hg19) VCF-style: chr2-170356100-A-C.
Other names: c.786A>C (NM_152384.2).
Identifiers: ClinVar variation 1134680 (VCV001134680.10), dbSNP rs769669565, ClinGen allele CA1956316.